The following is an entry in ClinVar:

ClinVar aggregate classification (germline): Uncertain significance (1 of 4 stars; one submission).

Conditions:
Brugada syndrome 8 (BRGDA8). Identifiers: Orphanet 130, MedGen C2751083, MONDO:0013148, OMIM 613123.

Allele frequency attached by ClinVar (database versions not stated): gnomAD 0.00002; ExAC 0.00005; ESP Exome Variant Server 0.00008.
gnomAD v4.1: 25 of 1,558,022 alleles (0.0016%); highest among the groups gnomAD compares: Non-Finnish European, 0.0022%; no homozygotes.

Submission:

Labcorp Genetics (formerly Invitae), Labcorp
Classification: Uncertain significance for Brugada syndrome 8. Last evaluated: 2025-01-12. Review status: criteria provided, single submitter. Criteria: Invitae Variant Classification Sherloc (09022015). Collection method: clinical testing. Allele origin: germline.
Comment: This sequence change replaces leucine, which is neutral and non-polar, with proline, which is neutral and non-polar, at codon 925 of the HCN4 protein (p.Leu925Pro). This variant is present in population databases (rs375712962, gnomAD 0.003%). This variant has not been reported in the literature in individuals affected with HCN4-related conditions. ClinVar contains an entry for this variant (Variation ID: 2043910). Invitae Evidence Modeling of protein sequence and biophysical properties (such as structural, functional, and spatial information, amino acid conservation, physicochemical variation, residue mobility, and thermodynamic stability) indicates that this missense variant is not expected to disrupt HCN4 protein function with a negative predictive value of 95%. In summary, the available evidence is currently insufficient to determine the role of this variant in disease. Therefore, it has been classified as a Variant of Uncertain Significance.

NM_005477.3(HCN4):c.2774T>C (p.Leu925Pro)

Gene: HCN4 (hyperpolarization activated cyclic nucleotide gated potassium channel 4; minus strand). Cytogenetic location: 15q24.1.
Variant type: single nucleotide variant.
Coding change: c.2774T>C on transcript NM_005477.3 (MANE Select); coding-DNA position 2774, T replaced by C.
Protein change: p.Leu925Pro; replaces leucine 925 with proline.
Molecular consequence: missense variant.
Genome position (GRCh38, 1-based): chr15:73,323,319, A>G on the plus strand (T>C on the coding strand, the complement: HCN4 is on the minus strand). VCF-style: chr15-73323319-A-G. GRCh37 (hg19) VCF-style: chr15-73615660-A-G.
Other names: short protein forms L925P.
Identifiers: ClinVar variation 2043910 (VCV002043910.2), dbSNP rs375712962, ClinGen allele CA7648959.